The following is an entry in ClinVar:

NM_018249.6(CDK5RAP2):c.546T>C (p.Phe182=)

Gene: CDK5RAP2 (CDK5 regulatory subunit associated protein 2; minus strand). Cytogenetic location: 9q33.2.
Variant type: single nucleotide variant.
Coding change: c.546T>C on transcript NM_018249.6 (MANE Select); coding-DNA position 546, T replaced by C.
Protein change: p.Phe182=; no amino-acid change (phenylalanine 182 retained).
Molecular consequence: synonymous variant. On other transcripts: non-coding transcript variant (5).
Genome position (GRCh38, 1-based): chr9:120,536,488, A>G on the plus strand (T>C on the coding strand, the complement: CDK5RAP2 is on the minus strand). VCF-style: chr9-120536488-A-G. GRCh37 (hg19) VCF-style: chr9-123298766-A-G.
Other names: c.546T>C, p.Phe182= (NM_001011649.3, NM_001272039.2, NM_001410992.1 and 2 more transcripts).
Identifiers: ClinVar variation 2993066 (VCV002993066.17), dbSNP rs13287599, ClinGen allele CA5214683.

ClinVar aggregate classification (germline): Likely benign. Review status: criteria provided, multiple submitters, no conflicts (2 of 4 stars). 2 submissions from 2 submitters: Likely benign (2). Last evaluated 2024-11-01.

Allele frequency attached by ClinVar (database versions not stated): gnomAD exomes below 0.00001; gnomAD 0.00001; ExAC 0.00004; ESP Exome Variant Server 0.00008.

Submissions (2):

CeGaT Center for Human Genetics Tuebingen
Classification: Likely benign. Last evaluated: 2024-11-01. Review status: criteria provided, single submitter. Criteria: CeGaT Center For Human Genetics Tuebingen Variant Classification Criteria Version 2. Collection method: clinical testing. Allele origin: germline. Affected: yes. Observed: 1 variant allele.
Comment: CDK5RAP2: BP4, BP7

Labcorp Genetics (formerly Invitae), Labcorp
Classification: Likely benign. Last evaluated: 2023-12-01. Review status: criteria provided, single submitter. Criteria: Invitae Variant Classification Sherloc (09022015). Collection method: clinical testing. Allele origin: germline.